The following is an entry in ClinVar:

NM_004230.4(S1PR2):c.71C>T (p.Thr24Met)

Gene: S1PR2 (sphingosine-1-phosphate receptor 2; minus strand). Cytogenetic location: 19p13.2.
Variant type: single nucleotide variant.
Coding change: c.71C>T on transcript NM_004230.4 (MANE Select); coding-DNA position 71, C replaced by T.
Protein change: p.Thr24Met; replaces threonine 24 with methionine.
Molecular consequence: missense variant.
Genome position (GRCh38, 1-based): chr19:10,224,835, G>A on the plus strand (C>T on the coding strand, the complement: S1PR2 is on the minus strand). VCF-style: chr19-10224835-G-A. GRCh37 (hg19) VCF-style: chr19-10335511-G-A.
Other names: c.71C>T (NM_004230.3); short protein forms T24M.
Identifiers: ClinVar variation 1514862 (VCV001514862.8), dbSNP rs189645503, ClinGen allele CA9189163.

ClinVar aggregate classification (germline): Uncertain significance. Review status: criteria provided, multiple submitters, no conflicts (2 of 4 stars). 2 submissions from 2 submitters: Uncertain significance (2). Last evaluated 2026-09-23.

Allele frequency attached by ClinVar (database versions not stated): gnomAD 0.00007 and 0.00009; ESP Exome Variant Server 0.00015; gnomAD exomes 0.00058 and 0.00019; TOPMed 0.00011; 1000 Genomes Project 30x 0.00016; ExAC 0.00020; 1000 Genomes Project 0.00020.

Submissions (2):

GeneDx
Classification: Uncertain significance. Last evaluated: 2026-09-23. Review status: criteria provided, single submitter. Criteria: GeneDx Variant Classification Process June 2021. Collection method: clinical testing. Allele origin: germline.
Comment: In silico analysis suggests that this missense variant does not alter protein structure/function; Has not been previously published as pathogenic or benign to our knowledge

Labcorp Genetics (formerly Invitae), Labcorp
Classification: Uncertain significance. Last evaluated: 2021-08-11. Review status: criteria provided, single submitter. Criteria: Invitae Variant Classification Sherloc (09022015). Collection method: clinical testing. Allele origin: germline.
Comment: This sequence change replaces threonine with methionine at codon 24 of the S1PR2 protein (p.Thr24Met). The threonine residue is highly conserved and there is a moderate physicochemical difference between threonine and methionine. This variant is present in population databases (rs189645503, ExAC 0.03%). This variant has not been reported in the literature in individuals with S1PR2-related conditions. Algorithms developed to predict the effect of missense changes on protein structure and function are either unavailable or do not agree on the potential impact of this missense change (SIFT: "Deleterious"; PolyPhen-2: "Benign"; Align-GVGD: "Class C15"). In summary, the available evidence is currently insufficient to determine the role of this variant in disease. Therefore, it has been classified as a Variant of Uncertain Significance.